The following is an entry in ClinVar:

ClinVar aggregate classification (germline): Conflicting classifications of pathogenicity. Review status: criteria provided, conflicting classifications (1 of 4 stars). 3 submissions from 3 submitters: Uncertain significance (2); Likely benign (1). Last evaluated 2026-07-01.

Conditions:
Primary ciliary dyskinesia 6. Also called: Primary Ciliary Dyskinesia 6: TXNDC3-Related Primary Ciliary Dyskinesia. Identifiers: Orphanet 244, MedGen C1970506, MONDO:0012571, OMIM 610852.

Allele frequency attached by ClinVar (database versions not stated): gnomAD 0.00001 and 0.00005; TOPMed 0.00001; gnomAD exomes 0.00002 and 0.00010; ExAC 0.00014; 1000 Genomes Project 30x 0.00062; 1000 Genomes Project 0.00080.
gnomAD v4.1: 44 of 1,613,866 alleles (0.0027%); highest among the groups gnomAD compares: South Asian, 0.041%; 1 homozygote.

Submissions (3):

CeGaT Center for Human Genetics Tuebingen
Classification: Likely benign. Last evaluated: 2026-07-01. Review status: criteria provided, single submitter. Criteria: CeGaT Center For Human Genetics Tuebingen Variant Classification Criteria Version 2. Collection method: clinical testing. Allele origin: germline. Affected: yes. Observed: 1 variant allele.
Comment: NME8: BP4

ARUP Laboratories, Molecular Genetics and Genomics, ARUP Laboratories
Classification: Uncertain significance for Primary ciliary dyskinesia 6. Last evaluated: 2025-02-06. Review status: criteria provided, single submitter. Criteria: ARUP Molecular Germline Variant Investigation Process 2024. Collection method: clinical testing. Allele origin: germline.
Comment: The NME8 c.772G>T; p.Val258Phe variant (rs553733754), to our knowledge, is not reported in the medical literature but is reported in ClinVar (Variation ID: 961378). This variant is found in the general population with an overall allele frequency of 0.01% (25/250728 alleles) in the Genome Aggregation Database (v2.1.1). Computational analyses predict that this variant is neutral (REVEL: 0.017). Due to limited information, the clinical significance of this variant is uncertain at this time.

Labcorp Genetics (formerly Invitae), Labcorp
Classification: Uncertain significance for Primary ciliary dyskinesia 6. Last evaluated: 2023-05-15. Review status: criteria provided, single submitter. Criteria: Invitae Variant Classification Sherloc (09022015). Collection method: clinical testing. Allele origin: germline.
Comment: This variant has not been reported in the literature in individuals affected with NME8-related conditions. This sequence change replaces valine, which is neutral and non-polar, with phenylalanine, which is neutral and non-polar, at codon 258 of the NME8 protein (p.Val258Phe). This variant is present in population databases (rs553733754, gnomAD 0.07%), and has an allele count higher than expected for a pathogenic variant. ClinVar contains an entry for this variant (Variation ID: 961378). An algorithm developed to predict the effect of missense changes on protein structure and function (PolyPhen-2) suggests that this variant is likely to be tolerated. In summary, the available evidence is currently insufficient to determine the role of this variant in disease. Therefore, it has been classified as a Variant of Uncertain Significance.

NM_016616.5(NME8):c.772G>T (p.Val258Phe)

Gene: NME8 (NME/NM23 family member 8; plus strand). Cytogenetic location: 7p14.1.
Variant type: single nucleotide variant.
Coding change: c.772G>T on transcript NM_016616.5 (MANE Select); coding-DNA position 772, G replaced by T.
Protein change: p.Val258Phe; replaces valine 258 with phenylalanine.
Molecular consequence: missense variant.
Genome position (GRCh38, 1-based): chr7:37,867,852, G>T. VCF-style: chr7-37867852-G-T. GRCh37 (hg19) VCF-style: chr7-37907454-G-T.
Other names: short protein forms V258F.
Identifiers: ClinVar variation 961378 (VCV000961378.6), dbSNP rs553733754, ClinGen allele CA4222335.